The following is an entry in ClinVar:

NM_001039592.2(SPAG8):c.39_44del

Gene: SPAG8 (sperm associated antigen 8; minus strand). Cytogenetic location: 9p13.3.
Variant type: Microsatellite.
Coding change: c.39_44del on transcript NM_001039592.2 (MANE Select); coding-DNA positions 39 to 44, 6 bases deleted (CGCGGT; older notation c.39_44delCGCGGT).
Molecular consequence: splice donor variant.
Genome position (GRCh38, 1-based): chr9:35,812,102-35,812,107, ACCGCG deleted on the plus strand (CGCGGT on the coding strand, the reverse complement: SPAG8 is on the minus strand); deleting any 6 consecutive bases within chr9:35,812,102-35,812,120 gives the same sequence; the c. name uses the placement nearest the transcript's 3' end. VCF-style (leftmost placement, unchanged base first): chr9-35812101-CACCGCG-C. GRCh37 (hg19) VCF-style: chr9-35812098-CACCGCG-C.
Other names: NC_000009.11:g.35812112_35812117del; c.41_44+2del (NM_001039592.2).
Identifiers: ClinVar variation 4283060 (VCV004283060.2).

ClinVar aggregate classification (germline): Uncertain significance (1 of 4 stars; one submission).

Conditions:
Primary ciliary dyskinesia. Also called: Ciliary dyskinesia. Identifiers: Orphanet 244, MedGen C0008780, MONDO:0016575, HP:0012265.

Submissions (10):

Department of Human Genetics, Hannover Medical School
Classification: Uncertain significance for Primary Ciliary Dyskinesia. Last evaluated: 2026-04-01. Review status: criteria provided, single submitter. Criteria: ACMG Guidelines, 2015. Collection method: research. Allele origin: germline. Affected: no.
Comment: Classification performed by HerediClassify using the following criteria:['PVS1_splicing_strong: Transcript ENST00000396638 does not undergo NMD and reading frame is not preserved. Protein length change of 0.954639175257732 observed.']

Dr. Peter K. Rogan Lab, Western University
No classification provided (evidence only). Condition: Familial cancer of breast. Review status: no classification provided. Collection method: in vitro. Allele origin: not applicable. Functional consequence: retained intron. Not counted in ClinVar's aggregate classification.

Dr. Peter K. Rogan Lab, Western University
No classification provided (evidence only). Condition: Gastric cancer. Review status: no classification provided. Collection method: in vitro. Allele origin: not applicable. Functional consequence: cryptic splice site, retained intron. Not counted in ClinVar's aggregate classification.

Dr. Peter K. Rogan Lab, Western University
No classification provided (evidence only). Condition: Gastric cancer. Review status: no classification provided. Collection method: in vitro. Allele origin: not applicable. Functional consequence: cryptic splice site. Not counted in ClinVar's aggregate classification.

Dr. Peter K. Rogan Lab, Western University
No classification provided (evidence only). Condition: Gastric cancer. Review status: no classification provided. Collection method: in vitro. Allele origin: not applicable. Functional consequence: cryptic splice site. Not counted in ClinVar's aggregate classification.

Dr. Peter K. Rogan Lab, Western University
No classification provided (evidence only). Condition: Gastric cancer. Review status: no classification provided. Collection method: in vitro. Allele origin: not applicable. Functional consequence: cryptic splice site, retained intron. Not counted in ClinVar's aggregate classification.

Dr. Peter K. Rogan Lab, Western University
No classification provided (evidence only). Condition: Gastric cancer. Review status: no classification provided. Collection method: in vitro. Allele origin: not applicable. Functional consequence: cryptic splice site. Not counted in ClinVar's aggregate classification.

Dr. Peter K. Rogan Lab, Western University
No classification provided (evidence only). Condition: Gastric cancer. Review status: no classification provided. Collection method: in vitro. Allele origin: not applicable. Functional consequence: retained intron. Not counted in ClinVar's aggregate classification.

Dr. Peter K. Rogan Lab, Western University
No classification provided (evidence only). Condition: Malignant tumor of esophagus. Review status: no classification provided. Collection method: in vitro. Allele origin: not applicable. Functional consequence: retained intron. Not counted in ClinVar's aggregate classification.

Dr. Peter K. Rogan Lab, Western University
No classification provided (evidence only). Condition: Hepatocellular carcinoma. Review status: no classification provided. Collection method: in vitro. Allele origin: not applicable. Functional consequence: cryptic splice site. Not counted in ClinVar's aggregate classification.